The following is an entry in ClinVar:

NM_005733.3(KIF20A):c.2065C>T (p.Leu689Phe)

Gene: KIF20A (kinesin family member 20A; plus strand). Cytogenetic location: 5q31.2.
Variant type: single nucleotide variant.
Coding change: c.2065C>T on transcript NM_005733.3 (MANE Select); coding-DNA position 2065, C replaced by T.
Protein change: p.Leu689Phe; replaces leucine 689 with phenylalanine.
Molecular consequence: missense variant.
Genome position (GRCh38, 1-based): chr5:138,185,650, C>T. VCF-style: chr5-138185650-C-T. GRCh37 (hg19) VCF-style: chr5-137521339-C-T.
Other names: short protein forms L689F.
Identifiers: ClinVar variation 1512084 (VCV001512084.6), dbSNP rs781329024, ClinGen allele CA3426793.

ClinVar aggregate classification (germline): Uncertain significance (1 of 4 stars; one submission).

Allele frequency attached by ClinVar (database versions not stated): gnomAD exomes below 0.00001 and 0.00002; TOPMed 0.00001; ExAC 0.00002; gnomAD 0.00002.
gnomAD v4.1: 25 of 1,614,080 alleles (0.0015%); highest among the groups gnomAD compares: Non-Finnish European, 0.002%; no homozygotes.

Submission:

Labcorp Genetics (formerly Invitae), Labcorp
Classification: Uncertain significance. Last evaluated: 2025-03-31. Review status: criteria provided, single submitter. Criteria: Invitae Variant Classification Sherloc (09022015). Collection method: clinical testing. Allele origin: germline.
Comment: This sequence change replaces leucine, which is neutral and non-polar, with phenylalanine, which is neutral and non-polar, at codon 689 of the KIF20A protein (p.Leu689Phe). This variant is present in population databases (rs781329024, gnomAD 0.004%). This variant has not been reported in the literature in individuals affected with KIF20A-related conditions. ClinVar contains an entry for this variant (Variation ID: 1512084). An algorithm developed to predict the effect of missense changes on protein structure and function outputs the following: PolyPhen-2: "Benign". The phenylalanine amino acid residue is found in multiple mammalian species, which suggests that this missense change does not adversely affect protein function. In summary, the available evidence is currently insufficient to determine the role of this variant in disease. Therefore, it has been classified as a Variant of Uncertain Significance.